The following is an entry in ClinVar:

ClinVar aggregate classification (germline): Uncertain significance. Review status: criteria provided, multiple submitters, no conflicts (2 of 4 stars). 2 submissions from 2 submitters: Uncertain significance (2). Last evaluated 2026-07-01.

Conditions:
Inborn genetic diseases. Identifiers: MedGen C0950123, MeSH D030342.

Allele frequency attached by ClinVar (database versions not stated): gnomAD 0.00002; TOPMed 0.00002.

Submissions (2):

CeGaT Center for Human Genetics Tuebingen
Classification: Uncertain significance. Last evaluated: 2026-07-01. Review status: criteria provided, single submitter. Criteria: CeGaT Center For Human Genetics Tuebingen Variant Classification Criteria Version 2. Collection method: clinical testing. Allele origin: germline. Affected: yes. Observed: 1 variant allele.
Comment: GFER: PM2

Ambry Genetics
Classification: Uncertain significance for Inborn genetic diseases. Last evaluated: 2022-08-01. Review status: criteria provided, single submitter. Criteria: Ambry Variant Classification Scheme 2023. Collection method: clinical testing. Allele origin: germline.

NM_005262.3(GFER):c.209C>G (p.Pro70Arg)

Genes: GFER (growth factor, augmenter of liver regeneration; plus strand), LOC130058203 (ATAC-STARR-seq lymphoblastoid silent region 7014; plus strand). Cytogenetic location: 16p13.3.
Variant type: single nucleotide variant.
Coding change: c.209C>G on transcript NM_005262.3 (MANE Select); coding-DNA position 209, C replaced by G.
Protein change: p.Pro70Arg; replaces proline 70 with arginine.
Molecular consequence: missense variant.
Genome position (GRCh38, 1-based): chr16:1,984,427, C>G. VCF-style: chr16-1984427-C-G. GRCh37 (hg19) VCF-style: chr16-2034428-C-G.
Other names: short protein forms P70R.
Identifiers: ClinVar variation 2355139 (VCV002355139.3), dbSNP rs780490309, ClinGen allele CA7825975.